The following is an entry in ClinVar:

NM_015215.4(CAMTA1):c.403G>A (p.Glu135Lys)

Gene: CAMTA1 (calmodulin binding transcription activator 1; plus strand). Cytogenetic location: 1p36.23.
Variant type: single nucleotide variant.
Coding change: c.403G>A on transcript NM_015215.4 (MANE Select); coding-DNA position 403, G replaced by A.
Protein change: p.Glu135Lys; replaces glutamic acid 135 with lysine.
Molecular consequence: missense variant.
Genome position (GRCh38, 1-based): chr1:7,249,591, G>A. VCF-style: chr1-7249591-G-A. GRCh37 (hg19) VCF-style: chr1-7309651-G-A.
Other names: c.313G>A, p.Glu105Lys (NM_001349608.2, NM_001349612.2); c.403G>A, p.Glu135Lys (NM_001349609.2, NM_001349610.2); short protein forms E105K, E135K.
Identifiers: ClinVar variation 1691186 (VCV001691186.3), dbSNP rs2149303071, ClinGen allele CA338218759.

ClinVar aggregate classification (germline): Pathogenic/Likely pathogenic. Review status: criteria provided, multiple submitters, no conflicts (2 of 4 stars). 2 submissions from 2 submitters: Pathogenic (1); Likely pathogenic (1). Last evaluated 2024-06-20.

Conditions:
Neurodevelopmental abnormality. Identifiers: MedGen C4022737, HP:0012759.

Submissions (2):

Clinical Genetics Laboratory, Skane University Hospital Lund
Classification: Likely pathogenic for Neurodevelopmental abnormality. Last evaluated: 2024-06-20. Review status: criteria provided, single submitter. Criteria: ACMG Guidelines, 2015. Collection method: clinical testing. Allele origin: germline. Affected: yes.
Comment: PS1_Supporting, PS4_Moderate, PM1_Supporting, PM2

GeneDx
Classification: Pathogenic. Last evaluated: 2022-06-01. Review status: criteria provided, single submitter. Criteria: GeneDx Variant Classification Process June 2021. Collection method: clinical testing. Allele origin: germline. Affected: yes.
Comment: Not observed in large population cohorts (gnomAD); In silico analysis supports that this missense variant has a deleterious effect on protein structure/function; This variant is associated with the following publications: (PMID: 31785789)